The following is an entry in ClinVar:

ClinVar aggregate classification (germline): Likely benign (0 of 4 stars; one submission).

Conditions:
SLC6A20-related disorder. Also called: SLC6A20-related condition.

Allele frequency attached by ClinVar (database versions not stated): TOPMed 0.00009; gnomAD 0.00023; gnomAD exomes 0.00025; ExAC 0.00047; 1000 Genomes Project 30x 0.00094; 1000 Genomes Project 0.00120.
gnomAD v4.1: 399 of 1,614,152 alleles (0.025%); highest among the groups gnomAD compares: South Asian, 0.37%; 3 homozygotes.

Submission:

PreventionGenetics, part of Exact Sciences
Classification: Likely benign for SLC6A20-related condition. Last evaluated: 2019-04-08. Review status: no assertion criteria provided. Collection method: clinical testing. Allele origin: germline.
Comment: This variant is classified as likely benign based on ACMG/AMP sequence variant interpretation guidelines (Richards et al. 2015 PMID: 25741868, with internal and published modifications).

NM_020208.4(SLC6A20):c.489C>T (p.Asn163=)

Gene: SLC6A20 (solute carrier family 6 member 20; minus strand). Cytogenetic location: 3p21.31.
Variant type: single nucleotide variant.
Coding change: c.489C>T on transcript NM_020208.4 (MANE Select); coding-DNA position 489, C replaced by T.
Protein change: p.Asn163=; no amino-acid change (asparagine 163 retained).
Molecular consequence: synonymous variant. On other transcripts: non-coding transcript variant (2).
Genome position (GRCh38, 1-based): chr3:45,775,854, G>A on the plus strand (C>T on the coding strand, the complement: SLC6A20 is on the minus strand). VCF-style: chr3-45775854-G-A. GRCh37 (hg19) VCF-style: chr3-45817346-G-A.
Other names: c.489C>T, p.Asn163= (NM_001385683.1, NM_001406066.1, NM_001406069.1 and 1 more transcripts); c.348C>T, p.Asn116= (NM_001406067.1).
Identifiers: ClinVar variation 3046091 (VCV003046091.2), dbSNP rs565155420, ClinGen allele CA2351605.